The following is an entry in ClinVar:

NM_002439.5(MSH3):c.1778G>T (p.Arg593Leu)

Gene: MSH3 (mutS homolog 3; plus strand). Cytogenetic location: 5q14.1.
Variant type: single nucleotide variant.
Coding change: c.1778G>T on transcript NM_002439.5 (MANE Select); coding-DNA position 1778, G replaced by T.
Protein change: p.Arg593Leu; replaces arginine 593 with leucine.
Molecular consequence: missense variant.
Genome position (GRCh38, 1-based): chr5:80,761,560, G>T. VCF-style: chr5-80761560-G-T. GRCh37 (hg19) VCF-style: chr5-80057379-G-T.
Other names: short protein forms R593L.
Identifiers: ClinVar variation 838644 (VCV000838644.9), dbSNP rs764832633, ClinGen allele CA360276498.

ClinVar aggregate classification (germline): Uncertain significance (1 of 4 stars; one submission).

gnomAD v4.1: 1 of 1,613,990 alleles (0.000062%); highest among the groups gnomAD compares: Non-Finnish European, 0.000085%; no homozygotes.

Submission:

Labcorp Genetics (formerly Invitae), Labcorp
Classification: Uncertain significance. Last evaluated: 2019-03-04. Review status: criteria provided, single submitter. Criteria: Invitae Variant Classification Sherloc (09022015). Collection method: clinical testing. Allele origin: germline.
Comment: In summary, the available evidence is currently insufficient to determine the role of this variant in disease. Therefore, it has been classified as a Variant of Uncertain Significance. Algorithms developed to predict the effect of missense changes on protein structure and function are either unavailable or do not agree on the potential impact of this missense change (SIFT: "Deleterious"; PolyPhen-2: "Probably Damaging"; Align-GVGD: "Class C0"). This variant has not been reported in the literature in individuals with MSH3-related conditions. This variant is not present in population databases (ExAC no frequency). This sequence change replaces arginine with leucine at codon 593 of the MSH3 protein (p.Arg593Leu). The arginine residue is highly conserved and there is a moderate physicochemical difference between arginine and leucine.